The following is an entry in ClinVar:

ClinVar aggregate classification (germline): Conflicting classifications of pathogenicity. Review status: criteria provided, conflicting classifications (1 of 4 stars). 2 submissions from 2 submitters: Uncertain significance (1); Likely benign (1). Last evaluated 2023-03-23.

Conditions:
Hereditary cancer-predisposing syndrome. Also called: Tumor predisposition; Hereditary Cancer Syndrome; Hereditary neoplastic syndrome; Neoplastic Syndromes, Hereditary. Identifiers: Orphanet 140162, MedGen C0027672, MeSH D009386, MONDO:0015356.
Hereditary breast ovarian cancer syndrome. Also called: BRCA1- and BRCA2-Associated Hereditary Breast and Ovarian Cancer; Hereditary breast and ovarian cancer; Hereditary breast and ovarian cancer syndrome; Hereditary breast and ovarian cancer syndrome (HBOC); Breast and ovarian cancer; Hereditary breast and/or ovarian cancer syndrome. Identifiers: Orphanet 145, MedGen C0677776, MeSH D061325, MONDO:0003582. Disease mechanism: loss of function.

Submissions (2):

University of Washington Department of Laboratory Medicine, University of Washington
Classification: Likely benign for Hereditary cancer-predisposing syndrome. Last evaluated: 2023-03-23. Review status: criteria provided, single submitter. Criteria: Dines et al. (Genet Med. 2020). Collection method: curation. Allele origin: germline.
Comment: Missense variant in a coldspot region where missense variants are very unlikely to be pathogenic (PMID:31911673).

BRCA1 coldspot (exon 11 using historical exon numbering). Reclassification based on statistical prior probability

Labcorp Genetics (formerly Invitae), Labcorp
Classification: Uncertain significance for Hereditary breast ovarian cancer syndrome. Last evaluated: 2020-11-10. Review status: criteria provided, single submitter. Criteria: Invitae Variant Classification Sherloc (09022015). Collection method: clinical testing. Allele origin: germline.
Comment: In summary, the available evidence is currently insufficient to determine the role of this variant in disease. Therefore, it has been classified as a Variant of Uncertain Significance. Advanced modeling of protein sequence and biophysical properties (such as structural, functional, and spatial information, amino acid conservation, physicochemical variation, residue mobility, and thermodynamic stability) performed at Invitae indicates that this missense variant is not expected to disrupt BRCA1 protein function. This variant has not been reported in the literature in individuals with BRCA1-related conditions. This variant is not present in population databases (ExAC no frequency). This sequence change replaces lysine with arginine at codon 679 of the BRCA1 protein (p.Lys679Arg). The lysine residue is moderately conserved and there is a small physicochemical difference between lysine and arginine.

NM_007294.4(BRCA1):c.2036A>G (p.Lys679Arg)

Gene: BRCA1 (BRCA1 DNA repair associated; minus strand). Cytogenetic location: 17q21.31.
Variant type: single nucleotide variant.
Coding change: c.2036A>G on transcript NM_007294.4 (MANE Select); coding-DNA position 2036, A replaced by G.
Protein change: p.Lys679Arg; replaces lysine 679 with arginine.
Molecular consequence: missense variant. On other transcripts: intron variant (137).
Genome position (GRCh38, 1-based): chr17:43,093,495, T>C on the plus strand (A>G on the coding strand, the complement: BRCA1 is on the minus strand). VCF-style: chr17-43093495-T-C. GRCh37 (hg19) VCF-style: chr17-41245512-T-C.
Other names: c.1655A>G, p.Lys552Arg (NM_001407959.1, NM_001407960.1, NM_001407963.1); c.1652A>G, p.Lys551Arg (NM_001407962.1); c.1892A>G, p.Lys631Arg (NM_001407964.1, NM_001407740.1, NM_001407741.1 and 20 more transcripts); c.1532A>G, p.Lys511Arg (NM_001407965.1); c.1148A>G, p.Lys383Arg (NM_001407966.1, NM_001407967.1); c.1895A>G, p.Lys632Arg (NM_007297.4, NM_001407692.1, NM_001407694.1 and 29 more transcripts); c.2036A>G, p.Lys679Arg (NM_007300.4, NM_001407581.1, NM_001407582.1 and 30 more transcripts); c.646+1249A>G (NM_001408458.1, NM_001408469.1, NM_001408453.1 and 11 more transcripts); and 40 more; short protein forms K632R, K679R, K552R, K609R, K612R, K638R, K383R, K511R.
Identifiers: ClinVar variation 1470480 (VCV001470480.11), dbSNP rs2053838870, ClinGen allele CA10597938.